The following is an entry in ClinVar:

ClinVar aggregate classification (germline): Uncertain significance. Review status: criteria provided, multiple submitters, no conflicts (2 of 4 stars). 4 submissions from 4 submitters: Uncertain significance (4). Last evaluated 2025-12-11.

Conditions:
Gnathodiaphyseal dysplasia (GDD). Also called: GNATHODIAPHYSEAL SCLEROSIS; OSTEOGENESIS IMPERFECTA WITH UNUSUAL SKELETAL LESIONS. Identifiers: Orphanet 53697, MedGen C1833736, MONDO:0008151, OMIM 166260.
Autosomal recessive limb-girdle muscular dystrophy type 2L (LGMDR12). Also called: Limb-girdle muscular dystrophy, type 2L; MUSCULAR DYSTROPHY, LIMB-GIRDLE, AUTOSOMAL RECESSIVE 12; Limb-Girdle Muscular Dystrophy R12 Anoctamin-5-Related (LGMD-R12). Identifiers: Orphanet 206549, MedGen C1969785, MONDO:0012652, OMIM 611307.
Inborn genetic diseases. Identifiers: MedGen C0950123, MeSH D030342.

Allele frequency attached by ClinVar (database versions not stated): TOPMed 0.00008; gnomAD 0.00009 and 0.00008; ExAC 0.00004; gnomAD exomes 0.00005.
gnomAD v4.1: 92 of 1,613,872 alleles (0.0057%); highest among the groups gnomAD compares: Non-Finnish European, 0.0069%; no homozygotes.

Submissions (4):

Labcorp Genetics (formerly Invitae), Labcorp
Classification: Uncertain significance for Autosomal recessive limb-girdle muscular dystrophy type 2L; Gnathodiaphyseal dysplasia. Last evaluated: 2025-12-11. Review status: criteria provided, single submitter. Criteria: Invitae Variant Classification Sherloc (09022015). Collection method: clinical testing. Allele origin: germline.
Comment: This sequence change replaces glycine, which is neutral and non-polar, with alanine, which is neutral and non-polar, at codon 518 of the ANO5 protein (p.Gly518Ala). This variant is present in population databases (rs201463445, gnomAD 0.009%). This variant has not been reported in the literature in individuals affected with ANO5-related conditions. ClinVar contains an entry for this variant (Variation ID: 1500747). Invitae Evidence Modeling of protein sequence and biophysical properties (such as structural, functional, and spatial information, amino acid conservation, physicochemical variation, residue mobility, and thermodynamic stability) indicates that this missense variant is not expected to disrupt ANO5 protein function with a negative predictive value of 95%. In summary, the available evidence is currently insufficient to determine the role of this variant in disease. Therefore, it has been classified as a Variant of Uncertain Significance.

Revvity Omics, Revvity
Classification: Uncertain significance. Last evaluated: 2024-11-05. Review status: criteria provided, single submitter. Criteria: ACMG Guidelines, 2015. Collection method: clinical testing. Allele origin: germline.

GeneDx
Classification: Uncertain significance. Last evaluated: 2024-06-12. Review status: criteria provided, single submitter. Criteria: GeneDx Variant Classification Process June 2021. Collection method: clinical testing. Allele origin: germline. Affected: yes.
Comment: Not observed at significant frequency in large population cohorts (gnomAD); In silico analysis indicates that this missense variant does not alter protein structure/function; Has not been previously published as pathogenic or benign to our knowledge

Ambry Genetics
Classification: Uncertain significance for Inborn genetic diseases. Last evaluated: 2023-10-02. Review status: criteria provided, single submitter. Criteria: Ambry Variant Classification Scheme 2023. Collection method: clinical testing. Allele origin: germline.

NM_213599.3(ANO5):c.1553G>C (p.Gly518Ala)

Gene: ANO5 (anoctamin 5; plus strand). Cytogenetic location: 11p14.3.
Variant type: single nucleotide variant.
Coding change: c.1553G>C on transcript NM_213599.3 (MANE Select); coding-DNA position 1553, G replaced by C.
Protein change: p.Gly518Ala; replaces glycine 518 with alanine.
Molecular consequence: missense variant.
Genome position (GRCh38, 1-based): chr11:22,259,664, G>C. VCF-style: chr11-22259664-G-C. GRCh37 (hg19) VCF-style: chr11-22281210-G-C.
Other names: c.1550G>C, p.Gly517Ala (NM_001142649.2); c.1553G>C (NM_213599.2); short protein forms G518A, G517A.
Identifiers: ClinVar variation 1500747 (VCV001500747.9), dbSNP rs201463445, ClinGen allele CA5923280.
Genomic context (GRCh38, chr11:22,259,664, plus strand): 5'-ATGCATCCTTAAAGCAGGTCAAAAGCTTCCTTACTCCTCAGATAACCACATCACTCACAG[G>C]ATCATGCTTGAACTTTATTGTCATCTTGATCTTGAATTTCTTTTATGAAAAGATATCTGC-3'
Protein context (NP_998764.1, residues 508-528): LTPQITTSLT[Gly518Ala]SCLNFIVILI